The following is an entry in ClinVar:

NM_000059.4(BRCA2):c.6649A>T (p.Lys2217Ter)

Gene: BRCA2 (BRCA2 DNA repair associated; plus strand). Cytogenetic location: 13q13.1.
Variant type: single nucleotide variant.
Coding change: c.6649A>T on transcript NM_000059.4 (MANE Select); coding-DNA position 6649, A replaced by T.
Protein change: p.Lys2217Ter; replaces lysine 2217 with a stop codon.
Molecular consequence: nonsense.
Genome position (GRCh38, 1-based): chr13:32,341,004, A>T. VCF-style: chr13-32341004-A-T. GRCh37 (hg19) VCF-style: chr13-32915141-A-T.
Other names: short protein forms K2217*.
Identifiers: ClinVar variation 826530 (VCV000826530.31), dbSNP rs1555284779, ClinGen allele CA387790387.

ClinVar aggregate classification (germline): Pathogenic/Likely pathogenic. Review status: criteria provided, multiple submitters, no conflicts (2 of 4 stars). 6 submissions from 6 submitters: Pathogenic (4); Likely pathogenic (1). 1 of the submissions does not count toward it. Last evaluated 2023-09-18.

Conditions:
Gastric cancer. Also called: Stomach cancer; Malignant tumor of stomach. Identifiers: MedGen C0024623, MeSH D013274, MONDO:0001056, OMIM 613659, HP:0012126.
Hereditary breast ovarian cancer syndrome. Also called: Breast and ovarian cancer; Hereditary breast and ovarian cancer; Hereditary breast and ovarian cancer syndrome; Hereditary breast and ovarian cancer syndrome (HBOC); Hereditary breast and/or ovarian cancer syndrome; BRCA1- and BRCA2-Associated Hereditary Breast and Ovarian Cancer. Identifiers: Orphanet 145, MedGen C0677776, MeSH D061325, MONDO:0003582. Disease mechanism: loss of function.
Hereditary cancer-predisposing syndrome. Also called: Neoplastic Syndromes, Hereditary; Tumor predisposition; Hereditary Cancer Syndrome; Hereditary neoplastic syndrome. Identifiers: Orphanet 140162, MedGen C0027672, MeSH D009386, MONDO:0015356.

Submissions (6):

Labcorp Genetics (formerly Invitae), Labcorp
Classification: Pathogenic for Hereditary breast ovarian cancer syndrome. Last evaluated: 2023-09-18. Review status: criteria provided, single submitter. Criteria: Invitae Variant Classification Sherloc (09022015). Collection method: clinical testing. Allele origin: germline.
Comment: For these reasons, this variant has been classified as Pathogenic. ClinVar contains an entry for this variant (Variation ID: 826530). This premature translational stop signal has been observed in individual(s) with breast cancer (PMID: 30287823). This variant is not present in population databases (gnomAD no frequency). This sequence change creates a premature translational stop signal (p.Lys2217*) in the BRCA2 gene. It is expected to result in an absent or disrupted protein product. Loss-of-function variants in BRCA2 are known to be pathogenic (PMID: 20104584).

Cancer Genomics Group, Japanese Foundation For Cancer Research
Classification: Likely pathogenic for Hereditary breast ovarian cancer syndrome. Last evaluated: 2023-03-27. Review status: criteria provided, single submitter. Criteria: ACMG Guidelines, 2015. Collection method: research. Allele origin: germline. Affected: yes.

Research Institute, Aichi Cancer Center
Classification: Pathogenic for Hereditary breast ovarian cancer syndrome. Last evaluated: 2022-02-01. Review status: criteria provided, single submitter. Criteria: ACMG Guidelines, 2015. Collection method: research. Allele origin: germline. Affected: yes. Observed: 1 variant allele.

Women's Health and Genetics/Laboratory Corporation of America, LabCorp
Classification: Pathogenic for Hereditary breast and ovarian cancer syndrome. Last evaluated: 2020-10-27. Review status: criteria provided, single submitter. Criteria: LabCorp Variant Classification Summary - May 2015. Collection method: clinical testing. Allele origin: germline.
Comment: Variant summary: BRCA2 c.6649A>T (p.Lys2217X) results in a premature termination codon, predicted to cause a truncation of the encoded protein or absence of the protein due to nonsense mediated decay, which are commonly known mechanisms for disease. Truncations downstream of this position have been classified as pathogenic by our laboratory. The variant was absent in 249442 control chromosomes. c.6649A>T has been reported in the literature in at least one individual affected with Hereditary Breast And Ovarian Cancer Syndrome (e.g. Momozawa_2018). To our knowledge, no experimental evidence demonstrating an impact on protein function has been reported. One clinical diagnostic laboratory has submitted clinical-significance assessments for this variant to ClinVar after 2014 without evidence for independent evaluation, citing the variant as pathogenic. Based on the evidence outlined above, the variant was classified as pathogenic.

Ambry Genetics
Classification: Pathogenic for Hereditary cancer-predisposing syndrome. Last evaluated: 2018-03-06. Review status: criteria provided, single submitter. Criteria: Ambry Variant Classification Scheme 2023. Collection method: clinical testing. Allele origin: germline.
Comment: The p.K2217* pathogenic mutation (also known as c.6649A>T), located in coding exon 10 of the BRCA2 gene, results from an A to T substitution at nucleotide position 6649. This changes the amino acid from a lysine to a stop codon within coding exon 10. This alteration is expected to result in loss of function by premature protein truncation or nonsense-mediated mRNA decay. As such, this alteration is interpreted as a disease-causing mutation.

Laboratory for Genotyping Development, RIKEN
Classification: Pathogenic for Gastric cancer. Last evaluated: 2021-07-01. Review status: no assertion criteria provided. Collection method: research. Allele origin: germline. Not counted in ClinVar's aggregate classification.

Literature cited by the submitters: PubMed 30287823 (cited by Labcorp Genetics (formerly Invitae), Labcorp and Women's Health and Genetics/Laboratory Corporation of America, LabCorp); PubMed 20104584 (cited by Labcorp Genetics (formerly Invitae), Labcorp); PubMed 36988593 (cited by Laboratory for Genotyping Development, RIKEN).